The following is an entry in ClinVar:

ClinVar aggregate classification (germline): Uncertain significance (1 of 4 stars; one submission).

Conditions:
Early-infantile DEE. Also called: Early infantile epileptic encephalopathy; Ohtahara syndrome; Early infantile epileptic encephalopathy with suppression bursts. Identifiers: Orphanet 1934, MedGen C0393706, MONDO:0800491.

Submission:

Labcorp Genetics (formerly Invitae), Labcorp
Classification: Uncertain significance for Early-infantile DEE. Last evaluated: 2024-04-15. Review status: criteria provided, single submitter. Criteria: Invitae Variant Classification Sherloc (09022015). Collection method: clinical testing. Allele origin: germline.
Comment: This sequence change falls in intron 13 of the ARHGEF15 gene. It does not directly change the encoded amino acid sequence of the ARHGEF15 protein. It affects a nucleotide within the consensus splice site. This variant is not present in population databases (gnomAD no frequency). This variant has not been reported in the literature in individuals affected with ARHGEF15-related conditions. ClinVar contains an entry for this variant (Variation ID: 2121534). Variants that disrupt the consensus splice site are a relatively common cause of aberrant splicing (PMID: 17576681, 9536098). Algorithms developed to predict the effect of sequence changes on RNA splicing suggest that this variant may disrupt the consensus splice site. In summary, the available evidence is currently insufficient to determine the role of this variant in disease. Therefore, it has been classified as a Variant of Uncertain Significance.

Literature cited by the submitters: PubMed 17576681; PubMed 9536098.

NM_173728.4(ARHGEF15):c.2186+6T>C

Gene: ARHGEF15 (Rho guanine nucleotide exchange factor 15; plus strand). Cytogenetic location: 17p13.1.
Variant type: single nucleotide variant.
Coding change: c.2186+6T>C on transcript NM_173728.4 (MANE Select); 6 bases into the intron after coding-DNA position 2186, T replaced by C.
Molecular consequence: intron variant.
Genome position (GRCh38, 1-based): chr17:8,319,165, T>C. VCF-style: chr17-8319165-T-C. GRCh37 (hg19) VCF-style: chr17-8222483-T-C.
Other names: c.2186+6T>C (NM_025014.2).
Identifiers: ClinVar variation 2121534 (VCV002121534.4), dbSNP rs2543949488, ClinGen allele CA2580095017.